The following is an entry in ClinVar:

NM_000264.5(PTCH1):c.215G>A (p.Gly72Asp)

Gene: PTCH1 (patched 1; minus strand). Cytogenetic location: 9q22.32.
Variant type: single nucleotide variant.
Coding change: c.215G>A on transcript NM_000264.5 (MANE Select); coding-DNA position 215, G replaced by A.
Protein change: p.Gly72Asp; replaces glycine 72 with aspartic acid.
Molecular consequence: missense variant. On other transcripts: 5 prime UTR variant (4), non-coding transcript variant (1).
Genome position (GRCh38, 1-based): chr9:95,506,586, C>T on the plus strand (G>A on the coding strand, the complement: PTCH1 is on the minus strand). VCF-style: chr9-95506586-C-T. GRCh37 (hg19) VCF-style: chr9-98268868-C-T.
Other names: c.212G>A, p.Gly71Asp (NM_001083603.3); c.-239G>A (NM_001083604.3, NM_001083605.3, NM_001083606.3 and 1 more transcripts); c.215G>A, p.Gly72Asp (NM_001354918.2); c.17G>A, p.Gly6Asp (NM_001354919.2, NM_001083602.3); short protein forms G71D, G72D, G6D.
Identifiers: ClinVar variation 3427293 (VCV003427293.2).

ClinVar aggregate classification (germline): Uncertain significance (1 of 4 stars; one submission).

Conditions:
Hereditary cancer-predisposing syndrome. Also called: Neoplastic Syndromes, Hereditary; Tumor predisposition; Hereditary Cancer Syndrome; Hereditary neoplastic syndrome. Identifiers: Orphanet 140162, MedGen C0027672, MeSH D009386, MONDO:0015356.

Submission:

Ambry Genetics
Classification: Uncertain significance for Hereditary cancer-predisposing syndrome. Last evaluated: 2026-05-08. Review status: criteria provided, single submitter. Criteria: Ambry Variant Classification Scheme 2023. Collection method: clinical testing. Allele origin: germline.
Comment: The p.G72D variant (also known as c.215G>A), located in coding exon 2 of the PTCH1 gene, results from a G to A substitution at nucleotide position 215. The glycine at codon 72 is replaced by aspartic acid, an amino acid with similar properties. This amino acid position is conserved. In addition, this alteration is predicted to be deleterious by in silico analysis. Based on the available evidence, the clinical significance of this variant remains unclear.